The following is an entry in ClinVar:

NM_182916.3(TRNT1):c.105C>T (p.Pro35=)

Gene: TRNT1 (tRNA nucleotidyl transferase 1; plus strand). Cytogenetic location: 3p26.2.
Variant type: single nucleotide variant.
Coding change: c.105C>T on transcript NM_182916.3 (MANE Select); coding-DNA position 105, C replaced by T.
Protein change: p.Pro35=; no amino-acid change (proline 35 retained).
Molecular consequence: synonymous variant. On other transcripts: non-coding transcript variant (11).
Genome position (GRCh38, 1-based): chr3:3,129,145, C>T. VCF-style: chr3-3129145-C-T. GRCh37 (hg19) VCF-style: chr3-3170829-C-T.
Other names: c.105C>T, p.Pro35= (NM_001302946.2, NM_001367321.1, NM_001367322.1 and 1 more transcripts).
Identifiers: ClinVar variation 383920 (VCV000383920.9), dbSNP rs368274081, ClinGen allele CA2228514.
Genomic context (GRCh38, chr3:3,129,145, plus strand): 5'-TAGGTGGAGTAGGCTGTGCCTTCCGAAGCAGTATCTATTCACAATGAAGTTGCAGTCTCC[C>T]GAATTCCAGTCACTTTTCACAGAAGGACTGAAGAGTCTGACAGGTGAGAGATTAGGATAC-3'
Protein context (NP_886552.3, residues 25-45): QYLFTMKLQS[Pro35=]EFQSLFTEGL

ClinVar aggregate classification (germline): Benign/Likely benign. Review status: criteria provided, multiple submitters, no conflicts (2 of 4 stars). 3 submissions from 3 submitters: Benign (1); Likely benign (2). Last evaluated 2026-01-12.

Conditions:
Congenital sideroblastic anemia-B-cell immunodeficiency-periodic fever-developmental delay syndrome. Also called: Sideroblastic anemia with B-cell immunodeficiency, periodic fevers, and developmental delay. Identifiers: Orphanet 369861, MedGen C4015172, MONDO:0014487, OMIM 616084.

Allele frequency attached by ClinVar (database versions not stated): gnomAD 0.00001 and 0.00010; TOPMed 0.00003; ESP Exome Variant Server 0.00008; gnomAD exomes 0.00016 and 0.00033; ExAC 0.00041; 1000 Genomes Project 30x 0.00125; 1000 Genomes Project 0.00160.
gnomAD v4.1: 246 of 1,614,080 alleles (0.015%); highest among the groups gnomAD compares: South Asian, 0.25%; 3 homozygotes.

Submissions (3):

Labcorp Genetics (formerly Invitae), Labcorp
Classification: Benign for Congenital sideroblastic anemia-B-cell immunodeficiency-periodic fever-developmental delay syndrome. Last evaluated: 2026-01-12. Review status: criteria provided, single submitter. Criteria: Invitae Variant Classification Sherloc (09022015). Collection method: clinical testing. Allele origin: germline.

Blueprint Genetics
Classification: Likely benign. Last evaluated: 2023-10-20. Review status: criteria provided, single submitter. Criteria: ACMG Guidelines, 2015. Collection method: clinical testing. Allele origin: germline.

GeneDx
Classification: Likely benign. Last evaluated: 2016-03-22. Review status: criteria provided, single submitter. Criteria: GeneDx Variant Classification (06012015). Collection method: clinical testing. Allele origin: germline. Affected: yes.
Comment: This variant is considered likely benign or benign based on one or more of the following criteria: it is a conservative change, it occurs at a poorly conserved position in the protein, it is predicted to be benign by multiple in silico algorithms, and/or has population frequency not consistent with disease.